The following is an entry in ClinVar:

ClinVar aggregate classification (germline): Uncertain significance. Review status: criteria provided, multiple submitters, no conflicts (2 of 4 stars). 5 submissions from 5 submitters: Uncertain significance (4). 1 of the submissions does not count toward it. Last evaluated 2024-03-29.

Conditions:
Inborn genetic diseases. Identifiers: MedGen C0950123, MeSH D030342.
Glycogen storage disease, type V (GSD5). Also called: PYGM DEFICIENCY; McArdle type glycogen storage disease; MCARDLE DISEASE; MUSCLE GLYCOGEN PHOSPHORYLASE DEFICIENCY; MYOPHOSPHORYLASE DEFICIENCY. Identifiers: Orphanet 368, MedGen C0017924, MONDO:0009293, OMIM 232600.

Allele frequency attached by ClinVar (database versions not stated): ExAC 0.00001; gnomAD exomes 0.00001 and 0.00002; gnomAD 0.00003 and 0.00004; TOPMed 0.00006.
gnomAD v4.1: 14 of 1,614,096 alleles (0.00087%); highest among the groups gnomAD compares: East Asian, 0.029%; no homozygotes.

Submissions (5):

Fulgent Genetics
Classification: Uncertain significance for Glycogen storage disease, type V. Last evaluated: 2024-03-29. Review status: criteria provided, single submitter. Criteria: ACMG Guidelines, 2015. Collection method: clinical testing. Allele origin: germline.

Ambry Genetics
Classification: Uncertain significance for Inborn genetic diseases. Last evaluated: 2023-11-22. Review status: criteria provided, single submitter. Criteria: Ambry Variant Classification Scheme 2023. Collection method: clinical testing. Allele origin: germline.

Labcorp Genetics (formerly Invitae), Labcorp
Classification: Uncertain significance for Glycogen storage disease, type V. Last evaluated: 2018-10-29. Review status: criteria provided, single submitter. Criteria: Invitae Variant Classification Sherloc (09022015). Collection method: clinical testing. Allele origin: germline.
Comment: This sequence change replaces tyrosine with cysteine at codon 792 of the PYGM protein (p.Tyr792Cys). The tyrosine residue is moderately conserved and there is a large physicochemical difference between tyrosine and cysteine. This variant is present in population databases (rs757292296, ExAC 0.01%). This variant has not been reported in the literature in individuals with PYGM-related disease. Algorithms developed to predict the effect of missense changes on protein structure and function are either unavailable or do not agree on the potential impact of this missense change (SIFT: "Deleterious"; PolyPhen-2: "Probably Damaging"; Align-GVGD: "Class C0"). In summary, the available evidence is currently insufficient to determine the role of this variant in disease. Therefore, it has been classified as a Variant of Uncertain Significance.

Juno Genomics, Hangzhou Juno Genomics, Inc
Classification: Uncertain significance for Glycogen storage disease, type V. Review status: criteria provided, single submitter. Criteria: ACMG Guidelines, 2015. Collection method: clinical testing. Allele origin: germline. Affected: yes.
Comment: Absent from controls (or at extremely low frequency if recessive) in Genome Aggregation Database, Exome Sequencing Project, 1000 Genomes Project, or Exome Aggregation Consortium.;Multiple lines of computational evidence support a deleterious effect on the gene or gene product (conservation, evolutionary, splicing impact, etc).;For recessive disorders, detected in trans with a pathogenic variant.

Natera, Inc.
Classification: Uncertain significance for Glycogen storage disease V. Last evaluated: 2020-02-21. Review status: no assertion criteria provided. Collection method: clinical testing. Allele origin: germline. Not counted in ClinVar's aggregate classification.

NM_005609.4(PYGM):c.2375A>G (p.Tyr792Cys)

Gene: PYGM (glycogen phosphorylase, muscle associated; minus strand). Cytogenetic location: 11q13.1.
Variant type: single nucleotide variant.
Coding change: c.2375A>G on transcript NM_005609.4 (MANE Select); coding-DNA position 2375, A replaced by G.
Protein change: p.Tyr792Cys; replaces tyrosine 792 with cysteine.
Molecular consequence: missense variant.
Genome position (GRCh38, 1-based): chr11:64,746,925, T>C on the plus strand (A>G on the coding strand, the complement: PYGM is on the minus strand). VCF-style: chr11-64746925-T-C. GRCh37 (hg19) VCF-style: chr11-64514397-T-C.
Other names: c.2111A>G, p.Tyr704Cys (NM_001164716.1); c.2375A>G (NM_005609.2); short protein forms Y704C, Y792C.
Identifiers: ClinVar variation 652494 (VCV000652494.8), dbSNP rs757292296, ClinGen allele CA6079543.